The following is an entry in ClinVar:

ClinVar aggregate classification (germline): Uncertain significance (1 of 4 stars; one submission).

Allele frequency attached by ClinVar (database versions not stated): TOPMed below 0.00001; gnomAD 0.00001; gnomAD exomes 0.00001; ExAC 0.00002; ESP Exome Variant Server 0.00008.
gnomAD v4.1: 18 of 1,613,844 alleles (0.0011%); highest among the groups gnomAD compares: Non-Finnish European, 0.0015%; no homozygotes.

Submission:

Labcorp Genetics (formerly Invitae), Labcorp
Classification: Uncertain significance. Last evaluated: 2022-06-28. Review status: criteria provided, single submitter. Criteria: Invitae Variant Classification Sherloc (09022015). Collection method: clinical testing. Allele origin: germline.
Comment: This sequence change replaces asparagine, which is neutral and polar, with serine, which is neutral and polar, at codon 1588 of the MACF1 protein (p.Asn1588Ser). This variant is present in population databases (rs149604772, gnomAD 0.003%). This variant has not been reported in the literature in individuals affected with MACF1-related conditions. Algorithms developed to predict the effect of missense changes on protein structure and function (SIFT, PolyPhen-2, Align-GVGD) all suggest that this variant is likely to be tolerated. In summary, the available evidence is currently insufficient to determine the role of this variant in disease. Therefore, it has been classified as a Variant of Uncertain Significance.

NM_001394062.1(MACF1):c.10949A>G (p.Asn3650Ser)

Gene: MACF1 (microtubule actin crosslinking factor 1; plus strand). Cytogenetic location: 1p34.3.
Variant type: single nucleotide variant.
Coding change: c.10949A>G on transcript NM_001394062.1 (MANE Select); coding-DNA position 10949, A replaced by G.
Protein change: p.Asn3650Ser; replaces asparagine 3650 with serine.
Molecular consequence: missense variant.
Genome position (GRCh38, 1-based): chr1:39,349,611, A>G. VCF-style: chr1-39349611-A-G. GRCh37 (hg19) VCF-style: chr1-39815283-A-G.
Other names: c.4763A>G, p.Asn1588Ser (NM_012090.5); short protein forms N1588S, N3650S.
Identifiers: ClinVar variation 2009693 (VCV002009693.4), dbSNP rs149604772, ClinGen allele CA781466.